The following is an entry in ClinVar:

NM_018972.4(GDAP1):c.458C>A (p.Pro153Gln)

Gene: GDAP1 (ganglioside induced differentiation associated protein 1; plus strand). Cytogenetic location: 8q21.11.
Variant type: single nucleotide variant.
Coding change: c.458C>A on transcript NM_018972.4 (MANE Select); coding-DNA position 458, C replaced by A.
Protein change: p.Pro153Gln; replaces proline 153 with glutamine.
Molecular consequence: missense variant. On other transcripts: intron variant (1).
Genome position (GRCh38, 1-based): chr8:74,360,284, C>A. VCF-style: chr8-74360284-C-A. GRCh37 (hg19) VCF-style: chr8-75272519-C-A.
Other names: c.254C>A, p.Pro85Gln (NM_001040875.4); c.131C>A, p.Pro44Gln (NM_001362929.2, NM_001362932.2); c.458C>A, p.Pro153Gln (NM_001362931.2); c.311-1600C>A (NM_001362930.2); short protein forms P44Q, P153Q, P85Q.
Identifiers: ClinVar variation 2741411 (VCV002741411.3), dbSNP rs538412810, ClinGen allele CA4785103.

ClinVar aggregate classification (germline): Uncertain significance (1 of 4 stars; one submission).

Conditions:
Charcot-Marie-Tooth disease type 4A. Also called: Charcot-Marie-Tooth disease, demyelinating, autosomal recessive, type 4a. Identifiers: Orphanet 99948, MedGen C1859198, MONDO:0008961, OMIM 214400.

gnomAD v4.1: 11 of 1,613,894 alleles (0.00068%); highest among the groups gnomAD compares: Non-Finnish European, 0.00093%; no homozygotes.

Submission:

Labcorp Genetics (formerly Invitae), Labcorp
Classification: Uncertain significance for Charcot-Marie-Tooth disease type 4A. Last evaluated: 2024-01-17. Review status: criteria provided, single submitter. Criteria: Invitae Variant Classification Sherloc (09022015). Collection method: clinical testing. Allele origin: germline.
Comment: This sequence change replaces proline, which is neutral and non-polar, with glutamine, which is neutral and polar, at codon 153 of the GDAP1 protein (p.Pro153Gln). This variant is present in population databases (rs538412810, gnomAD 0.0009%). This variant has not been reported in the literature in individuals affected with GDAP1-related conditions. Advanced modeling of protein sequence and biophysical properties (such as structural, functional, and spatial information, amino acid conservation, physicochemical variation, residue mobility, and thermodynamic stability) performed at Invitae indicates that this missense variant is not expected to disrupt GDAP1 protein function with a negative predictive value of 80%. This variant disrupts the p.Pro153 amino acid residue in GDAP1. Other variant(s) that disrupt this residue have been determined to be pathogenic (PMID: 18421898, 18504680, 28244113, 28751717; Invitae). This suggests that this residue is clinically significant, and that variants that disrupt this residue are likely to be disease-causing. In summary, the available evidence is currently insufficient to determine the role of this variant in disease. Therefore, it has been classified as a Variant of Uncertain Significance.

Literature cited by the submitters: PubMed 18421898; PubMed 18504680; PubMed 28244113; PubMed 28751717.